The following is an entry in ClinVar:

NM_000352.6(ABCC8):c.4076C>T (p.Pro1359Leu)

Gene: ABCC8 (ATP binding cassette subfamily C member 8; minus strand). Cytogenetic location: 11p15.1.
Variant type: single nucleotide variant.
Coding change: c.4076C>T on transcript NM_000352.6 (MANE Select); coding-DNA position 4076, C replaced by T.
Protein change: p.Pro1359Leu; replaces proline 1359 with leucine.
Molecular consequence: missense variant. On other transcripts: non-coding transcript variant (1).
Genome position (GRCh38, 1-based): chr11:17,396,959, G>A on the plus strand (C>T on the coding strand, the complement: ABCC8 is on the minus strand). VCF-style: chr11-17396959-G-A. GRCh37 (hg19) VCF-style: chr11-17418506-G-A.
Other names: NM_001287174.3:c.4079C>T; c.4079C>T, p.Pro1360Leu (NM_001287174.3); c.4142C>T, p.Pro1381Leu (NM_001351295.2); c.4076C>T, p.Pro1359Leu (NM_001351296.2); c.4073C>T, p.Pro1358Leu (NM_001351297.2); c.4076C>T (NM_000352.3, NM_000352.4); short protein forms P1358L, P1359L, P1360L, P1381L.
Identifiers: ClinVar variation 2576198 (VCV002576198.11), dbSNP rs377686759, ClinGen allele CA5902590.
Genomic context (GRCh38, chr11:17,396,959, plus strand): 5'-TGGGCCCGTGCTCTGACCTTCTGTCCAGGGGCGATGAGGGCATTGACGTGCTTCAGCACC[G>A]GCTTCAGGGAGCTGTCGTAGCGCACGCTCAGGTTCTGGATCTGGATCTTCCCTTGGTCTG-3'
Protein context (NP_000343.2, residues 1349-1369): LSVRYDSSLK[Pro1359Leu]VLKHVNALIA

ClinVar aggregate classification (germline): Conflicting classifications of pathogenicity. Review status: criteria provided, conflicting classifications (1 of 4 stars). 8 submissions from 8 submitters: Likely pathogenic (5); Uncertain significance (3). Last evaluated 2026-08-18.

Conditions:
Type 2 diabetes mellitus. Also called: Type II diabetes mellitus. Identifiers: MedGen C0011860, MeSH D003924, MONDO:0005148, OMIM 125853, HP:0005978.
Hereditary hyperinsulinism.
Diabetes mellitus, transient neonatal, 2 (TNDM2). Identifiers: Orphanet 99886, MedGen C1835887, MONDO:0012480, OMIM 610374. Disease mechanism: loss of function.
Diabetes mellitus, permanent neonatal 3. Also called: ABCC8-Related Permanent Neonatal Diabetes Mellitus. Identifiers: MedGen C5394303, MONDO:0030088, OMIM 618857.
Hyperinsulinemic hypoglycemia, familial, 1 (HHF1). Also called: Persistent hyperinsulinemic hypoglycemia of infancy; HYPERINSULINISM, FAMILIAL, WITH PANCREATIC NESIDIOBLASTOSIS; HYPOGLYCEMIA, HYPERINSULINEMIC, OF INFANCY; NESIDIOBLASTOSIS OF PANCREAS; Persistent Hyperinsulinemia Hypoglycemia of Infancy. Identifiers: Orphanet 276575, Orphanet 276598, MedGen C2931832, MONDO:0009734, OMIM 256450.
Leucine-induced hypoglycemia (LIH). Also called: LEUCINE-SENSITIVE HYPOGLYCEMIA OF INFANCY. Identifiers: MedGen C0271714, MONDO:0009415, OMIM 240800.

Allele frequency attached by ClinVar (database versions not stated): ExAC 0.00001; TOPMed 0.00001; gnomAD 0.00002; gnomAD exomes 0.00002; ESP Exome Variant Server 0.00008.
gnomAD v4.1: 32 of 1,614,080 alleles (0.002%); highest among the groups gnomAD compares: Non-Finnish European, 0.0025%; no homozygotes.

Submissions (8):

Myriad Genetics, Inc.
Classification: Uncertain significance for Hyperinsulinemic hypoglycemia, familial, 1. Last evaluated: 2026-08-18. Review status: criteria provided, single submitter. Criteria: Myriad Autosomal Dominant, Autosomal Recessive and X-Linked Classification Criteria (2023). Collection method: clinical testing. Allele origin: unknown.
Comment: NM_000352.3(ABCC8):c.4076C>T(P1359L) is a missense variant classified as a variant of uncertain significance in the context of familial hyperinsulinism, ABCC8-related. P1359L has been observed in cases with relevant disease (PMID: 21378087, 32267248). Relevant functional assessments of this variant are not available in the literature. P1359L has been observed in referenced population frequency databases. In summary, there is insufficient evidence to classify NM_000352.3(ABCC8):c.4076C>T(P1359L) as pathogenic or benign. Please note: this variant was assessed in the context of healthy population screening.

GeneDx
Classification: Uncertain significance. Last evaluated: 2026-02-14. Review status: criteria provided, single submitter. Criteria: GeneDx Variant Classification Process June 2021. Collection method: clinical testing. Allele origin: germline.
Comment: In silico analysis supports that this missense variant has a deleterious effect on protein structure/function; This variant is associated with the following publications: (PMID: 32267248, 21378087)

3billion
Classification: Likely pathogenic for Hyperinsulinemic hypoglycemia, familial, 1. Last evaluated: 2025-12-12. Review status: criteria provided, single submitter. Criteria: ACMG Guidelines, 2015. Collection method: clinical testing. Allele origin: germline. Affected: yes.
Comment: The variant is observed at an extremely low frequency in the gnomAD v4.1.0 dataset (total allele frequency: 0.002%). Predicted Consequence/Location: Missense variant In silico tool predictions suggest damaging effect of the variant on gene or gene product [REVEL: 0.68 (>=0.6, sensitivity 0.68 and specificity 0.92)]. The same nucleotide change resulting in the same amino acid change has been previously reported as pathogenic/likely pathogenic with strong evidence (ClinVar ID: VCV002576198 /PMID: 21378087). A different missense change at the same codon (p.Pro1359Arg) has been reported to be associated with ABCC8-related disorder (PMID: 21835061). Therefore, this variant is classified as Likely pathogenic according to the recommendation of ACMG/AMP guideline.

Labcorp Genetics (formerly Invitae), Labcorp
Classification: Likely pathogenic. Last evaluated: 2025-10-24. Review status: criteria provided, single submitter. Criteria: Invitae Variant Classification Sherloc (09022015). Collection method: clinical testing. Allele origin: germline.
Comment: This sequence change replaces proline, which is neutral and non-polar, with leucine, which is neutral and non-polar, at codon 1359 of the ABCC8 protein (p.Pro1359Leu). This variant is present in population databases (rs377686759, gnomAD 0.002%). This missense change has been observed in individual(s) with autosomal recessive congenital hyperinsulinism (PMID: 21378087, 32267248). In at least one individual the data is consistent with being in trans (on the opposite chromosome) from a pathogenic variant. This variant is also known as Pro1360Leu. ClinVar contains an entry for this variant (Variation ID: 2576198). Invitae Evidence Modeling of protein sequence and biophysical properties (such as structural, functional, and spatial information, amino acid conservation, physicochemical variation, residue mobility, and thermodynamic stability) has been performed for this missense variant. However, the output from this modeling did not meet the statistical confidence thresholds required to predict the impact of this variant on ABCC8 protein function. In summary, the currently available evidence indicates that the variant is pathogenic, but additional data are needed to prove that conclusively. Therefore, this variant has been classified as Likely Pathogenic.

Natera, Inc.
Classification: Likely pathogenic for Hereditary hyperinsulinism. Last evaluated: 2025-04-14. Review status: criteria provided, single submitter. Criteria: Natera Variant Classification Schema (03/2026). Collection method: clinical testing. Allele origin: germline.
Comment: The c.4076C>T variant in ABCC8 is a missense variant predicted to cause substitution of proline to leucine at amino acid 1359. This variant is rare in the general population with a frequency below the threshold expected for the associated phenotype(s). This variant has been observed in one or more individuals affected with the associated recessive disease, as either homozygous or compound heterozygous with a second variant (PMID: 32267248, 21378087). This variant has been identified in one or more affected individuals with a phenotype highly consistent with the associated gene (PMID: 21378087). Computational prediction algorithms indicate this variant is likely to affect gene or protein function. Given the available evidence, this variant is classified as Likely Pathogenic.

Fulgent Genetics
Classification: Likely pathogenic for Type 2 diabetes mellitus; Leucine-induced hypoglycemia; Hyperinsulinemic hypoglycemia, familial, 1; Diabetes mellitus, transient neonatal, 2; Diabetes mellitus, permanent neonatal 3. Last evaluated: 2024-06-07. Review status: criteria provided, single submitter. Criteria: ACMG Guidelines, 2015. Collection method: clinical testing. Allele origin: germline.

Baylor Genetics
Classification: Likely pathogenic for Type 2 diabetes mellitus. Last evaluated: 2024-01-11. Review status: criteria provided, single submitter. Criteria: ACMG Guidelines, 2015. Collection method: clinical testing. Allele origin: unknown.

Broad Center for Mendelian Genomics, Broad Institute of MIT and Harvard
Classification: Uncertain significance for Hyperinsulinemic hypoglycemia, familial, 1. Last evaluated: 2023-08-16. Review status: criteria provided, single submitter. Criteria: ACMG Guidelines, 2015. Collection method: curation. Allele origin: germline. Inheritance: Autosomal recessive inheritance.
Comment: The p.Pro1359Leu variant in ABCC8 has been previously reported in 2 individuals with hyperinsulinemic hypoglycemia (PMID: 32267248, 21378087), and has been seen in 0.002% (2/129162) of European (non-Finnish) chromosomes by the Genome Aggregation Database (gnomAD; dbSNP: rs377686759). Although this variant has been seen in the general population in a heterozygous state, its frequency is low enough to be consistent with a recessive carrier frequency. Of the 2 affected individuals, 1 was a compound heterozygote that carried a reported likely pathogenic variant in trans, which increases the likelihood that the p.Pro1359Leu variant is pathogenic (Variation ID: 210078; PMID: 32267248). Computational prediction tools and conservation analyses do not provide strong support for or against an impact to the protein. In summary, the clinical significance of the p.Pro1359Leu variant is uncertain. ACMG/AMP Criteria applied: PM2_supporting, PM3 (Richards 2015).

Literature cited by the submitters: PubMed 21378087 (cited by 4 submitters); PubMed 32267248 (cited by 3 submitters); PubMed 21835061 (cited by 3billion).